The following is an entry in ClinVar:

ClinVar aggregate classification (germline): Uncertain significance. Review status: criteria provided, multiple submitters, no conflicts (2 of 4 stars). 2 submissions from 2 submitters: Uncertain significance (2). Last evaluated 2023-11-20.

Conditions:
Hereditary cancer-predisposing syndrome. Also called: Hereditary neoplastic syndrome; Tumor predisposition; Neoplastic Syndromes, Hereditary; Hereditary Cancer Syndrome. Identifiers: Orphanet 140162, MedGen C0027672, MeSH D009386, MONDO:0015356.
Breast-ovarian cancer, familial, susceptibility to, 2 (BROVCA2). Also called: BRCA2 Hereditary Breast and Ovarian Cancer. Identifiers: Orphanet 145, MedGen C2675520, MONDO:0012933, OMIM 612555. Disease mechanism: loss of function.

Submissions (2):

All of Us Research Program, National Institutes of Health
Classification: Uncertain significance for Breast-ovarian cancer, familial, susceptibility to, 2. Last evaluated: 2023-11-20. Review status: criteria provided, single submitter. Criteria: ACMG Guidelines, 2015. Collection method: clinical testing. Allele origin: germline. Inheritance: Autosomal dominant inheritance. Observed: 1 variant allele, 1 heterozygote.
Comment: This missense variant replaces asparagine with aspartic acid at codon 433 of the BRCA2 protein. Computational prediction suggests that this variant may not impact protein structure and function (internally defined REVEL score threshold <= 0.5, PMID: 27666373). To our knowledge, functional studies have not been reported for this variant. This variant has not been reported in individuals affected with BRCA2-related disorders in the literature. This variant has not been identified in the general population by the Genome Aggregation Database (gnomAD). The available evidence is insufficient to determine the role of this variant in disease conclusively. Therefore, this variant is classified as a Variant of Uncertain Significance.

This study involves interpretation of variants in research participants for the purpose of population health screening. Participant phenotype was not available at the time of variant classification. Additional details can be found in publication PMID: 35346344, PMCID: PMC8962531

Ambry Genetics
Classification: Uncertain significance for Hereditary cancer-predisposing syndrome. Last evaluated: 2022-12-15. Review status: criteria provided, single submitter. Criteria: Ambry Variant Classification Scheme 2023. Collection method: clinical testing. Allele origin: germline.
Comment: The p.N433D variant (also known as c.1297A>G), located in coding exon 9 of the BRCA2 gene, results from an A to G substitution at nucleotide position 1297. The asparagine at codon 433 is replaced by aspartic acid, an amino acid with highly similar properties. This amino acid position is poorly conserved in available vertebrate species. In addition, this alteration is predicted to be tolerated by in silico analysis. Since supporting evidence is limited at this time, the clinical significance of this alteration remains unclear.

NM_000059.4(BRCA2):c.1297A>G (p.Asn433Asp)

Gene: BRCA2 (BRCA2 DNA repair associated; plus strand). Cytogenetic location: 13q13.1.
Variant type: single nucleotide variant.
Coding change: c.1297A>G on transcript NM_000059.4 (MANE Select); coding-DNA position 1297, A replaced by G.
Protein change: p.Asn433Asp; replaces asparagine 433 with aspartic acid.
Molecular consequence: missense variant. On other transcripts: non-coding transcript variant (1), intron variant (1).
Genome position (GRCh38, 1-based): chr13:32,332,775, A>G. VCF-style: chr13-32332775-A-G. GRCh37 (hg19) VCF-style: chr13-32906912-A-G.
Other names: c.1297A>G, p.Asn433Asp (NM_001406719.1, NM_001406720.1, NM_001406721.1); c.424+1745A>G (NM_001406722.1); short protein forms N433D.
Identifiers: ClinVar variation 2451490 (VCV002451490.3), dbSNP rs2137469763, ClinGen allele CA387762514.